The following is an entry in ClinVar:

ClinVar aggregate classification (germline): Conflicting classifications of pathogenicity. Review status: criteria provided, conflicting classifications (1 of 4 stars). 6 submissions from 6 submitters: Uncertain significance (5); Likely benign (1). Last evaluated 2026-02-16.

Conditions:
Ehlers-Danlos syndrome due to tenascin-X deficiency (EDSCLL1). Also called: EDS DUE TO TNX DEFICIENCY; TNXB-Related Classical-Like Ehlers-Danlos Syndrome; TNX DEFICIENCY; EHLERS-DANLOS SYNDROME, CLASSIC-LIKE; Ehlers-Danlos syndrome, classic-like, 1. Identifiers: Orphanet 230839, MedGen C1848029, MONDO:0011670, OMIM 606408.
Vesicoureteral reflux 8 (VUR8). Identifiers: Orphanet 289365, MedGen C4014831, MONDO:0014422, OMIM 615963.
Cardiovascular phenotype. Identifiers: MedGen CN230736.

Allele frequency attached by ClinVar (database versions not stated): ExAC 0.00001; gnomAD 0.00001 and 0.00002; gnomAD exomes 0.00001; TOPMed 0.00001.
gnomAD v4.1: 39 of 1,612,196 alleles (0.0024%); highest among the groups gnomAD compares: Non-Finnish European, 0.0032%; 1 homozygote.

Submissions (6):

Women's Health and Genetics/Laboratory Corporation of America, LabCorp
Classification: Uncertain significance. Last evaluated: 2026-02-16. Review status: criteria provided, single submitter. Criteria: LabCorp Variant Classification Summary - May 2015. Collection method: clinical testing. Allele origin: germline.
Comment: Variant summary: TNXB c.8186A>G (p.Glu2729Gly) results in a non-conservative amino acid change in the encoded protein sequence. Algorithms developed to predict the effect of missense changes on protein structure and function are either unavailable or do not agree on the potential impact of this missense change. The variant allele was found at a frequency of 8.2e-06 in 243596 control chromosomes. The available data on variant occurrences in the general population are insufficient to allow any conclusion about variant significance. To our knowledge, no occurrence of c.8186A>G in individuals affected with TNXB-related conditions and no experimental evidence demonstrating its impact on protein function have been reported. ClinVar contains an entry for this variant (Variation ID: 598089). Based on the evidence outlined above, the variant was classified as uncertain significance.

Mayo Clinic Laboratories, Mayo Clinic
Classification: Uncertain significance. Last evaluated: 2025-10-21. Review status: criteria provided, single submitter. Criteria: ACMG Guidelines, 2015. Collection method: clinical testing. Allele origin: germline. Observed: 1 variant allele.
Comment: BP4_moderate

GeneDx
Classification: Uncertain significance. Last evaluated: 2025-05-28. Review status: criteria provided, single submitter. Criteria: GeneDx Variant Classification Process June 2021. Collection method: clinical testing. Allele origin: germline. Affected: yes.
Comment: Not observed at significant frequency in large population cohorts (gnomAD); In silico analysis supports that this missense variant has a deleterious effect on protein structure/function; Has not been previously published as pathogenic or benign to our knowledge

Ambry Genetics
Classification: Likely benign for Cardiovascular phenotype. Last evaluated: 2025-04-18. Review status: criteria provided, single submitter. Criteria: Ambry Variant Classification Scheme 2023. Collection method: clinical testing. Allele origin: germline.

Fulgent Genetics
Classification: Uncertain significance for Ehlers-Danlos syndrome due to tenascin-X deficiency; Vesicoureteral reflux 8. Last evaluated: 2021-08-11. Review status: criteria provided, single submitter. Criteria: ACMG Guidelines, 2015. Collection method: clinical testing. Allele origin: unknown.

Eurofins Ntd Llc (ga)
Classification: Uncertain significance. Last evaluated: 2018-07-18. Review status: criteria provided, single submitter. Criteria: EGL ClinVar v180209 classification definitions. Collection method: clinical testing. Allele origin: germline. Observed: 1 variant allele, 1 heterozygote.

NM_001365276.2(TNXB):c.8186A>G (p.Glu2729Gly)

Gene: TNXB (tenascin XB; minus strand). Cytogenetic location: 6p21.33.
Variant type: single nucleotide variant.
Coding change: c.8186A>G on transcript NM_001365276.2 (MANE Select); coding-DNA position 8186, A replaced by G.
Protein change: p.Glu2729Gly; replaces glutamic acid 2729 with glycine.
Molecular consequence: missense variant.
Genome position (GRCh38, 1-based): chr6:32,056,132, T>C on the plus strand (A>G on the coding strand, the complement: TNXB is on the minus strand). VCF-style: chr6-32056132-T-C. GRCh37 (hg19) VCF-style: chr6-32023909-T-C.
Other names: p.Glu2729Gly; c.8186A>G, p.Glu2729Gly (NM_019105.8); short protein forms E2729G.
Identifiers: ClinVar variation 598089 (VCV000598089.16), dbSNP rs749055881, ClinGen allele CA3733925.